The following is an entry in ClinVar:

ClinVar aggregate classification (germline): Benign (1 of 4 stars; one submission).

Allele frequency attached by ClinVar (database versions not stated): 1000 Genomes Project 30x 0.09275; 1000 Genomes Project 0.09365; TOPMed 0.15196; gnomAD 0.16384 and 0.16722; gnomAD exomes 0.20443.
gnomAD v4.1: 189,913 of 961,844 alleles (20%); highest among the groups gnomAD compares: Non-Finnish European, 23%; 21,266 homozygotes.

Submission:

GeneDx
Classification: Benign. Last evaluated: 2018-03-13. Review status: criteria provided, single submitter. Criteria: GeneDx Variant Classification (06012015). Collection method: clinical testing. Allele origin: germline. Affected: yes.
Comment: This variant is considered likely benign or benign based on one or more of the following criteria: it is a conservative change, it occurs at a poorly conserved position in the protein, it is predicted to be benign by multiple in silico algorithms, and/or has population frequency not consistent with disease.

NM_024006.6(VKORC1):c.173+525C>T

Gene: VKORC1 (vitamin K epoxide reductase complex subunit 1; minus strand). Cytogenetic location: 16p11.2.
Variant type: single nucleotide variant.
Coding change: c.173+525C>T on transcript NM_024006.6 (MANE Select); 525 bases into the intron after coding-DNA position 173, C replaced by T.
Molecular consequence: intron variant.
Genome position (GRCh38, 1-based): chr16:31,094,032, G>A on the plus strand (C>T on the coding strand, the complement: VKORC1 is on the minus strand). VCF-style: chr16-31094032-G-A. GRCh37 (hg19) VCF-style: chr16-31105353-G-A.
Other names: c.173+525C>T (NM_206824.3, NM_001311311.2).
Identifiers: ClinVar variation 225960 (VCV000225960.4), dbSNP rs17708472, ClinGen allele CA10576180.